The following is an entry in ClinVar:

NM_021008.4(DEAF1):c.1493A>G (p.Glu498Gly)

Genes: DEAF1 (DEAF1 transcription factor; minus strand), LOC126861109 (BRD4-independent group 4 enhancer GRCh37_chr11:673917-675116; plus strand). Cytogenetic location: 11p15.5.
Variant type: single nucleotide variant.
Coding change: c.1493A>G on transcript NM_021008.4 (MANE Select); coding-DNA position 1493, A replaced by G.
Protein change: p.Glu498Gly; replaces glutamic acid 498 with glycine.
Molecular consequence: missense variant.
Genome position (GRCh38, 1-based): chr11:674,546, T>C on the plus strand (A>G on the coding strand, the complement: DEAF1 is on the minus strand). VCF-style: chr11-674546-T-C. GRCh37 (hg19) VCF-style: chr11-674546-T-C.
Other names: c.1226A>G, p.Glu409Gly (NM_001293634.2); c.767A>G, p.Glu256Gly (NM_001367390.1); short protein forms E256G, E409G, E498G.
Identifiers: ClinVar variation 3705635 (VCV003705635.2).

ClinVar aggregate classification (germline): Uncertain significance (1 of 4 stars; one submission).

gnomAD v4.1: 7 of 1,614,074 alleles (0.00043%); highest among the groups gnomAD compares: African/African-American, 0.0093%; no homozygotes.

Submission:

Labcorp Genetics (formerly Invitae), Labcorp
Classification: Uncertain significance. Last evaluated: 2024-06-21. Review status: criteria provided, single submitter. Criteria: Invitae Variant Classification Sherloc (09022015). Collection method: clinical testing. Allele origin: germline.
Comment: This sequence change replaces glutamic acid, which is acidic and polar, with glycine, which is neutral and non-polar, at codon 498 of the DEAF1 protein (p.Glu498Gly). This variant is present in population databases (rs576805766, gnomAD 0.007%). This variant has not been reported in the literature in individuals affected with DEAF1-related conditions. Advanced modeling of protein sequence and biophysical properties (such as structural, functional, and spatial information, amino acid conservation, physicochemical variation, residue mobility, and thermodynamic stability) has been performed at Invitae for this missense variant, however the output from this modeling did not meet the statistical confidence thresholds required to predict the impact of this variant on DEAF1 protein function. In summary, the available evidence is currently insufficient to determine the role of this variant in disease. Therefore, it has been classified as a Variant of Uncertain Significance.